The following is an entry in ClinVar:

NM_000535.7(PMS2):c.2057T>C (p.Phe686Ser)

Gene: PMS2 (PMS1 homolog 2, mismatch repair system component; minus strand). Cytogenetic location: 7p22.1.
Variant type: single nucleotide variant.
Coding change: c.2057T>C on transcript NM_000535.7 (MANE Select); coding-DNA position 2057, T replaced by C.
Protein change: p.Phe686Ser; replaces phenylalanine 686 with serine.
Molecular consequence: missense variant. On other transcripts: non-coding transcript variant (1).
Genome position (GRCh38, 1-based): chr7:5,982,941, A>G on the plus strand (T>C on the coding strand, the complement: PMS2 is on the minus strand). VCF-style: chr7-5982941-A-G. GRCh37 (hg19) VCF-style: chr7-6022572-A-G.
Other names: c.1652T>C, p.Phe551Ser (NM_001322003.2, NM_001322004.2, NM_001322005.2 and 1 more transcripts); c.1901T>C, p.Phe634Ser (NM_001322006.2); c.1739T>C, p.Phe580Ser (NM_001322007.2, NM_001322008.2); c.1496T>C, p.Phe499Ser (NM_001322010.2); c.1124T>C, p.Phe375Ser (NM_001322011.2, NM_001322012.2); c.1484T>C, p.Phe495Ser (NM_001322013.2); c.2057T>C, p.Phe686Ser (NM_001322014.2); c.1748T>C, p.Phe583Ser (NM_001322015.2); short protein forms F495S, F551S, F375S, F580S, F634S, F499S, F583S, F686S.
Identifiers: ClinVar variation 1523550 (VCV001523550.8), dbSNP rs2128704084, ClinGen allele CA366738090.

ClinVar aggregate classification (germline): Uncertain significance. Review status: criteria provided, multiple submitters, no conflicts (2 of 4 stars). 3 submissions from 3 submitters: Uncertain significance (3). Last evaluated 2024-11-20.

Conditions:
Hereditary nonpolyposis colorectal neoplasms. Identifiers: MedGen C0009405, MeSH D003123.
Hereditary cancer-predisposing syndrome. Also called: Hereditary neoplastic syndrome; Hereditary Cancer Syndrome; Tumor predisposition; Neoplastic Syndromes, Hereditary. Identifiers: Orphanet 140162, MedGen C0027672, MeSH D009386, MONDO:0015356.

Submissions (3):

Women's Health and Genetics/Laboratory Corporation of America, LabCorp
Classification: Uncertain significance. Last evaluated: 2024-11-20. Review status: criteria provided, single submitter. Criteria: LabCorp Variant Classification Summary - May 2015. Collection method: clinical testing. Allele origin: germline.

Ambry Genetics
Classification: Uncertain significance for Hereditary cancer-predisposing syndrome. Last evaluated: 2022-08-09. Review status: criteria provided, single submitter. Criteria: Ambry Variant Classification Scheme 2023. Collection method: clinical testing. Allele origin: germline.
Comment: The p.F686S variant (also known as c.2057T>C), located in coding exon 12 of the PMS2 gene, results from a T to C substitution at nucleotide position 2057. The phenylalanine at codon 686 is replaced by serine, an amino acid with highly dissimilar properties. This amino acid position is highly conserved in available vertebrate species. In addition, this alteration is predicted to be deleterious by in silico analysis. Since supporting evidence is limited at this time, the clinical significance of this alteration remains unclear.

Labcorp Genetics (formerly Invitae), Labcorp
Classification: Uncertain significance for Hereditary nonpolyposis colorectal neoplasms. Last evaluated: 2021-08-24. Review status: criteria provided, single submitter. Criteria: Invitae Variant Classification Sherloc (09022015). Collection method: clinical testing. Allele origin: germline.
Comment: This sequence change replaces phenylalanine with serine at codon 686 of the PMS2 protein (p.Phe686Ser). The phenylalanine residue is highly conserved and there is a large physicochemical difference between phenylalanine and serine. This variant has not been reported in the literature in individuals affected with PMS2-related conditions. Algorithms developed to predict the effect of missense changes on protein structure and function (SIFT, PolyPhen-2, Align-GVGD) all suggest that this variant is likely to be disruptive. In summary, the available evidence is currently insufficient to determine the role of this variant in disease. Therefore, it has been classified as a Variant of Uncertain Significance.